The following is an entry in ClinVar:

NM_001367479.1(DNAH14):c.5273G>C (p.Cys1758Ser)

Gene: DNAH14 (dynein axonemal heavy chain 14; plus strand). Cytogenetic location: 1q42.12.
Variant type: single nucleotide variant.
Coding change: c.5273G>C on transcript NM_001367479.1 (MANE Select); coding-DNA position 5273, G replaced by C.
Protein change: p.Cys1758Ser; replaces cysteine 1758 with serine.
Molecular consequence: missense variant.
Genome position (GRCh38, 1-based): chr1:225,153,826, G>C. VCF-style: chr1-225153826-G-C. GRCh37 (hg19) VCF-style: chr1-225341528-G-C.
Other names: NM_001373.1:c.5222G>C; short protein forms C1758S.
Identifiers: ClinVar variation 5017924 (VCV005017924.1).

ClinVar aggregate classification (germline): Uncertain significance (1 of 4 stars; one submission).

gnomAD v4.1: 2 of 1,548,220 alleles (0.00013%); highest among the groups gnomAD compares: African/African-American, 0.0027%; no homozygotes.

Submission:

GeneDx
Classification: Uncertain significance. Last evaluated: 2026-03-31. Review status: criteria provided, single submitter. Criteria: GeneDx Variant Classification Process June 2021. Collection method: clinical testing. Allele origin: germline.
Comment: Not observed at significant frequency in large population cohorts (gnomAD); In silico analysis suggests that this missense variant does not alter protein structure/function; In silico analysis is inconclusive as to whether the variant alters gene splicing. In the absence of RNA/functional studies, the actual effect of this sequence change is unknown.; Has not been previously published as pathogenic or benign to our knowledge